The following is an entry in ClinVar:

NM_052859.4(RFT1):c.1354C>T (p.Arg452Cys)

Gene: RFT1 (RFT1 glycolipid translocator homolog; minus strand). Cytogenetic location: 3p21.1.
Variant type: single nucleotide variant.
Coding change: c.1354C>T on transcript NM_052859.4 (MANE Select); coding-DNA position 1354, C replaced by T.
Protein change: p.Arg452Cys; replaces arginine 452 with cysteine.
Molecular consequence: missense variant.
Genome position (GRCh38, 1-based): chr3:53,092,473, G>A on the plus strand (C>T on the coding strand, the complement: RFT1 is on the minus strand). VCF-style: chr3-53092473-G-A. GRCh37 (hg19) VCF-style: chr3-53126489-G-A.
Other names: short protein forms R452C.
Identifiers: ClinVar variation 1502351 (VCV001502351.5), dbSNP rs754157422, ClinGen allele CA2451172.
Genomic context (GRCh38, chr3:53,092,473, plus strand): 5'-GCAGGACTGGCGATAGGTGCAGGCCAGCCAGGGGCCTGTGGGGGCTCCTTCGGTAGTAGC[G>A]GTGGATGAAGCAAAGGCTCTGCGTGATCCGAATGCCCATGTTAAAGCAGTTGGCCAAGAT-3'
Protein context (NP_443091.1, residues 442-462): RITQSLCFIH[Arg452Cys]YYRRSPHRPL

ClinVar aggregate classification (germline): Uncertain significance (1 of 4 stars; one submission).

Conditions:
RFT1-congenital disorder of glycosylation (CDG1N). Also called: RFT1-CDG; CDG In; Congenital disorder of glycosylation type In. Identifiers: Orphanet 244310, MedGen C2677590, MONDO:0012783, OMIM 612015.

Allele frequency attached by ClinVar (database versions not stated): gnomAD 0.00002; gnomAD exomes 0.00002; ExAC 0.00003; TOPMed 0.00003.
gnomAD v4.1: 48 of 1,612,218 alleles (0.003%); highest among the groups gnomAD compares: Non-Finnish European, 0.0035%; no homozygotes.

Submission:

Labcorp Genetics (formerly Invitae), Labcorp
Classification: Uncertain significance for RFT1-congenital disorder of glycosylation. Last evaluated: 2025-12-08. Review status: criteria provided, single submitter. Criteria: Invitae Variant Classification Sherloc (09022015). Collection method: clinical testing. Allele origin: germline.
Comment: This sequence change replaces arginine, which is basic and polar, with cysteine, which is neutral and slightly polar, at codon 452 of the RFT1 protein (p.Arg452Cys). This variant is present in population databases (rs754157422, gnomAD 0.006%). This variant has not been reported in the literature in individuals affected with RFT1-related conditions. ClinVar contains an entry for this variant (Variation ID: 1502351). Invitae Evidence Modeling of protein sequence and biophysical properties (such as structural, functional, and spatial information, amino acid conservation, physicochemical variation, residue mobility, and thermodynamic stability) indicates that this missense variant is not expected to disrupt RFT1 protein function with a negative predictive value of 80%. In summary, the available evidence is currently insufficient to determine the role of this variant in disease. Therefore, it has been classified as a Variant of Uncertain Significance.